The following is an entry in ClinVar:

NM_001378454.1(ALMS1):c.568C>A (p.Leu190Met)

Gene: ALMS1 (ALMS1 centrosome and basal body associated protein; plus strand). Cytogenetic location: 2p13.1.
Variant type: single nucleotide variant.
Coding change: c.568C>A on transcript NM_001378454.1 (MANE Select); coding-DNA position 568, C replaced by A.
Protein change: p.Leu190Met; replaces leucine 190 with methionine.
Molecular consequence: missense variant.
Genome position (GRCh38, 1-based): chr2:73,419,240, C>A. VCF-style: chr2-73419240-C-A. GRCh37 (hg19) VCF-style: chr2-73646368-C-A.
Other names: c.571C>A, p.Leu191Met (NM_015120.4); short protein forms L191M, L190M.
Identifiers: ClinVar variation 570278 (VCV000570278.9), dbSNP rs375838474, ClinGen allele CA1712885.

ClinVar aggregate classification (germline): Conflicting classifications of pathogenicity. Review status: criteria provided, conflicting classifications (1 of 4 stars). 5 submissions from 5 submitters: Uncertain significance (4); Likely benign (1). Last evaluated 2024-11-01.

Conditions:
Alstrom syndrome (ALMS). Identifiers: Orphanet 64, MedGen C0268425, MONDO:0008763, OMIM 203800.
Cardiovascular phenotype. Identifiers: MedGen CN230736.

Allele frequency attached by ClinVar (database versions not stated): gnomAD exomes 0.00002 and 0.00010; TOPMed 0.00005; ExAC 0.00009; gnomAD 0.00009.
gnomAD v4.1: 52 of 1,613,902 alleles (0.0032%); highest among the groups gnomAD compares: East Asian, 0.056%; no homozygotes.

Submissions (5):

Blueprint Genetics
Classification: Uncertain significance. Last evaluated: 2024-11-01. Review status: criteria provided, single submitter. Criteria: ACMG Guidelines, 2015. Collection method: clinical testing. Allele origin: germline.

GeneDx
Classification: Uncertain significance. Last evaluated: 2024-05-14. Review status: criteria provided, single submitter. Criteria: GeneDx Variant Classification Process June 2021. Collection method: clinical testing. Allele origin: germline. Affected: yes.
Comment: In silico analysis indicates that this missense variant does not alter protein structure/function; This variant is associated with the following publications: (PMID: 32856788)

Labcorp Genetics (formerly Invitae), Labcorp
Classification: Uncertain significance for Alstrom syndrome. Last evaluated: 2022-10-13. Review status: criteria provided, single submitter. Criteria: Invitae Variant Classification Sherloc (09022015). Collection method: clinical testing. Allele origin: germline.
Comment: This sequence change replaces leucine, which is neutral and non-polar, with methionine, which is neutral and non-polar, at codon 191 of the ALMS1 protein (p.Leu191Met). This variant is present in population databases (rs375838474, gnomAD 0.1%). This missense change has been observed in individual(s) with cone rod retinal dystrophy (PMID: 32856788). ClinVar contains an entry for this variant (Variation ID: 570278). Experimental studies and prediction algorithms are not available or were not evaluated, and the functional significance of this variant is currently unknown. In summary, the available evidence is currently insufficient to determine the role of this variant in disease. Therefore, it has been classified as a Variant of Uncertain Significance.

Fulgent Genetics
Classification: Uncertain significance for Alstrom syndrome. Last evaluated: 2022-05-11. Review status: criteria provided, single submitter. Criteria: ACMG Guidelines, 2015. Collection method: clinical testing. Allele origin: unknown.

Ambry Genetics
Classification: Likely benign for Cardiovascular phenotype. Last evaluated: 2021-12-28. Review status: criteria provided, single submitter. Criteria: Ambry Variant Classification Scheme 2023. Collection method: clinical testing. Allele origin: germline.

Literature cited by the submitters: PubMed 32856788 (cited by Labcorp Genetics (formerly Invitae), Labcorp).